The following is an entry in ClinVar:

ClinVar aggregate classification (germline): Likely benign (0 of 4 stars; one submission).

Conditions:
CUX1-related disorder. Also called: CUX1-related condition.

Allele frequency attached by ClinVar (database versions not stated): 1000 Genomes Project 0.00040; ESP Exome Variant Server 0.00062.
gnomAD v4.1: 173 of 1,506,198 alleles (0.011%); highest among the groups gnomAD compares: African/African-American, 0.2%; no homozygotes.

Submission:

PreventionGenetics, part of Exact Sciences
Classification: Likely benign for CUX1-related condition. Last evaluated: 2021-08-31. Review status: no assertion criteria provided. Collection method: clinical testing. Allele origin: germline.
Comment: This variant is classified as likely benign based on ACMG/AMP sequence variant interpretation guidelines (Richards et al. 2015 PMID: 25741868, with internal and published modifications).

NM_001913.5(CUX1):c.1564-4C>G

Gene: CUX1 (cut like homeobox 1; plus strand). Cytogenetic location: 7q22.1.
Variant type: single nucleotide variant.
Coding change: c.1564-4C>G on transcript NM_001913.5 (MANE Plus Clinical); 4 bases into the intron before coding-DNA position 1564, C replaced by G.
Molecular consequence: intron variant.
Genome position (GRCh38, 1-based): chr7:102,277,945, C>G. VCF-style: chr7-102277945-C-G. GRCh37 (hg19) VCF-style: chr7-101921216-C-G.
Other names: c.1558-4C>G (NM_181500.4); c.1426-4C>G (NM_001202545.3); c.1516-4C>G (NM_001202544.3); c.1447-4C>G (NM_001202546.3).
Identifiers: ClinVar variation 3057472 (VCV003057472.2), dbSNP rs374801556, ClinGen allele CA4411719.